The following is an entry in ClinVar:

ClinVar aggregate classification (germline): Uncertain significance (1 of 4 stars; one submission).

Allele frequency attached by ClinVar (database versions not stated): gnomAD exomes below 0.00001; TOPMed below 0.00001.
gnomAD v4.1: 1 of 1,613,896 alleles (0.000062%); highest among the groups gnomAD compares: Non-Finnish European, 0.000085%; no homozygotes.

Submission:

Labcorp Genetics (formerly Invitae), Labcorp
Classification: Uncertain significance. Last evaluated: 2021-11-19. Review status: criteria provided, single submitter. Criteria: Invitae Variant Classification Sherloc (09022015). Collection method: clinical testing. Allele origin: germline.
Comment: This sequence change replaces proline, which is neutral and non-polar, with serine, which is neutral and polar, at codon 643 of the HPS3 protein (p.Pro643Ser). This variant is not present in population databases (gnomAD no frequency). This variant has not been reported in the literature in individuals affected with HPS3-related conditions. Algorithms developed to predict the effect of missense changes on protein structure and function are either unavailable or do not agree on the potential impact of this missense change (SIFT: "Tolerated"; PolyPhen-2: "Probably Damaging"; Align-GVGD: "Class C0"). In summary, the available evidence is currently insufficient to determine the role of this variant in disease. Therefore, it has been classified as a Variant of Uncertain Significance.

NM_032383.5(HPS3):c.1927C>T (p.Pro643Ser)

Gene: HPS3 (HPS3 biogenesis of lysosomal organelles complex 2 subunit 1; plus strand). Cytogenetic location: 3q24.
Variant type: single nucleotide variant.
Coding change: c.1927C>T on transcript NM_032383.5 (MANE Select); coding-DNA position 1927, C replaced by T.
Protein change: p.Pro643Ser; replaces proline 643 with serine.
Molecular consequence: missense variant.
Genome position (GRCh38, 1-based): chr3:149,160,100, C>T. VCF-style: chr3-149160100-C-T. GRCh37 (hg19) VCF-style: chr3-148877887-C-T.
Other names: c.1432C>T, p.Pro478Ser (NM_001308258.2); short protein forms P478S, P643S.
Identifiers: ClinVar variation 1480140 (VCV001480140.3), dbSNP rs1723695850, ClinGen allele CA354923133.